The following is an entry in ClinVar:

NM_000166.6(GJB1):c.412A>G (p.Ser138Gly)

Gene: GJB1 (gap junction protein beta 1; plus strand). Cytogenetic location: Xq13.1.
Variant type: single nucleotide variant.
Coding change: c.412A>G on transcript NM_000166.6 (MANE Select); coding-DNA position 412, A replaced by G.
Protein change: p.Ser138Gly; replaces serine 138 with glycine.
Molecular consequence: missense variant.
Genome position (GRCh38, 1-based): chrX:71,224,119, A>G. VCF-style: chrX-71224119-A-G. GRCh37 (hg19) VCF-style: chrX-70443969-A-G.
Other names: c.412A>G, p.Ser138Gly (NM_001097642.3); short protein forms S138G.
Identifiers: ClinVar variation 2138606 (VCV002138606.4), dbSNP rs2519798479, ClinGen allele CA413502285.

ClinVar aggregate classification (germline): Uncertain significance (1 of 4 stars; one submission).

Conditions:
Charcot-Marie-Tooth Neuropathy X. Identifiers: MedGen CN118851.

Submission:

Labcorp Genetics (formerly Invitae), Labcorp
Classification: Uncertain significance for Charcot-Marie-Tooth Neuropathy X. Last evaluated: 2023-02-24. Review status: criteria provided, single submitter. Criteria: Invitae Variant Classification Sherloc (09022015). Collection method: clinical testing. Allele origin: germline.
Comment: Advanced modeling of protein sequence and biophysical properties (such as structural, functional, and spatial information, amino acid conservation, physicochemical variation, residue mobility, and thermodynamic stability) performed at Invitae indicates that this missense variant is expected to disrupt GJB1 protein function. ClinVar contains an entry for this variant (Variation ID: 2138606). This missense change has been observed in individual(s) with Charcot-Marie-Tooth disease (PMID: 27844031). This variant is not present in population databases (gnomAD no frequency). This sequence change replaces serine, which is neutral and polar, with glycine, which is neutral and non-polar, at codon 138 of the GJB1 protein (p.Ser138Gly). Experimental studies have shown that this missense change affects GJB1 function (PMID: 27844031). This variant disrupts the p.Ser138 amino acid residue in GJB1. Other variant(s) that disrupt this residue have been determined to be pathogenic (PMID: 21692908; Invitae). This suggests that this residue is clinically significant, and that variants that disrupt this residue are likely to be disease-causing. In summary, the available evidence is currently insufficient to determine the role of this variant in disease. Therefore, it has been classified as a Variant of Uncertain Significance.

Literature cited by the submitters: PubMed 27844031; PubMed 21692908.